The following is an entry in ClinVar:

ClinVar aggregate classification (germline): Uncertain significance (1 of 4 stars; one submission).

Allele frequency attached by ClinVar (database versions not stated): gnomAD 0.00002 and 0.00005; gnomAD exomes 0.00002 and 0.00008; TOPMed 0.00003; 1000 Genomes Project 30x 0.00047; 1000 Genomes Project 0.00060.

Submission:

GeneDx
Classification: Uncertain significance. Last evaluated: 2019-10-02. Review status: criteria provided, single submitter. Criteria: GeneDx Variant Classification Process June 2021. Collection method: clinical testing. Allele origin: germline. Affected: yes.
Comment: In silico analysis, which includes protein predictors and evolutionary conservation, supports that this variant does not alter protein structure/function; Has not been previously published as pathogenic or benign to our knowledge

NM_001292063.2(OTOG):c.6701A>G (p.His2234Arg)

Gene: OTOG (otogelin; plus strand). Cytogenetic location: 11p15.1.
Variant type: single nucleotide variant.
Coding change: c.6701A>G on transcript NM_001292063.2 (MANE Select); coding-DNA position 6701, A replaced by G.
Protein change: p.His2234Arg; replaces histidine 2234 with arginine.
Molecular consequence: missense variant.
Genome position (GRCh38, 1-based): chr11:17,629,305, A>G. VCF-style: chr11-17629305-A-G. GRCh37 (hg19) VCF-style: chr11-17650852-A-G.
Other names: c.6737A>G, p.His2246Arg (NM_001277269.2); short protein forms H2234R, H2246R.
Identifiers: ClinVar variation 1308884 (VCV001308884.2), dbSNP rs544487442, ClinGen allele CA218493738.
Genomic context (GRCh38, chr11:17,629,305, plus strand): 5'-GGCTCCACAGCTCAGGACTCATGATCGTGGAGGCCAGCAAAACCAGCAAGGCCCAGGGCC[A>G]TGGCCTGTGCGGTGAGGTGGAACCCAGCTTGCGGGGAGGGGATGCTTCCCAGGTCCACCT-3'
Protein context (NP_001278992.1, residues 2224-2244): EASKTSKAQG[His2234Arg]GLCGICDGDA